The following is an entry in ClinVar:

ClinVar aggregate classification (germline): Uncertain significance (1 of 4 stars; one submission).

Submission:

GeneDx
Classification: Uncertain significance. Last evaluated: 2025-03-13. Review status: criteria provided, single submitter. Criteria: GeneDx Variant Classification Process June 2021. Collection method: clinical testing. Allele origin: germline. Affected: yes.
Comment: Not observed at significant frequency in large population cohorts (gnomAD); In-frame deletion of 10 amino acids in a non-repeat region; In silico analysis indicates that this variant does not alter protein structure/function; Has not been previously published as pathogenic or benign to our knowledge

NM_001429.4(EP300):c.5890_5919del (p.Pro1964_Thr1973del)

Gene: EP300 (EP300 lysine acetyltransferase; plus strand). Cytogenetic location: 22q13.2.
Variant type: Deletion.
Coding change: c.5890_5919del on transcript NM_001429.4 (MANE Select); coding-DNA positions 5890 to 5919, 30 bases deleted (CCCATGGGTATGAACCCACCTCCCATGACC).
Protein change: p.Pro1964_Thr1973del.
Genome position (GRCh38, 1-based): chr22:41,177,601-41,177,630, CCCATGGGTATGAACCCACCTCCCATGACC deleted; deleting any 30 consecutive bases within chr22:41,177,599-41,177,630 gives the same sequence; the c. name uses the placement nearest the transcript's 3' end. VCF-style (leftmost placement, unchanged base first): chr22-41177598-GCCCCCATGGGTATGAACCCACCTCCCATGA-G. GRCh37 (hg19) VCF-style: chr22-41573602-GCCCCCATGGGTATGAACCCACCTCCCATGA-G.
Other names: c.5812_5841del, p.Pro1938_Thr1947del (NM_001362843.2).
Identifiers: ClinVar variation 4083168 (VCV004083168.1).